The following is an entry in ClinVar:

ClinVar aggregate classification (germline): Uncertain significance (1 of 4 stars; one submission).

Conditions:
Autosomal dominant hypocalcemia 1 (HYPOC1). Also called: HYPOCALCEMIA, FAMILIAL. Identifiers: MedGen C3715128, MONDO:0011013, OMIM 601198.
Familial hypocalciuric hypercalcemia (FHH). Also called: Familial benign hypercalcemia. Identifiers: Orphanet 405, MedGen C1809471, MONDO:0018458.

Submission:

Labcorp Genetics (formerly Invitae), Labcorp
Classification: Uncertain significance for Familial hypocalciuric hypercalcemia; Autosomal dominant hypocalcemia 1. Last evaluated: 2020-03-12. Review status: criteria provided, single submitter. Criteria: Invitae Variant Classification Sherloc (09022015). Collection method: clinical testing. Allele origin: germline.
Comment: In summary, the available evidence is currently insufficient to determine the role of this variant in disease. Therefore, it has been classified as a Variant of Uncertain Significance. Experimental studies and prediction algorithms are not available or were not evaluated, and the functional significance of this variant is currently unknown. This variant has not been reported in the literature in individuals with CASR-related conditions. This variant is not present in population databases (ExAC no frequency). This sequence change results in a premature translational stop signal in the CASR gene (p.Gln1028Argfs*28). While this is not anticipated to result in nonsense mediated decay, it is expected to disrupt the last 51 amino acids of the CASR protein.

NM_000388.4(CASR):c.3082del (p.Gln1028fs)

Gene: CASR (calcium sensing receptor; plus strand). Cytogenetic location: 3q21.1.
Variant type: Deletion.
Coding change: c.3082del on transcript NM_000388.4 (MANE Select); coding-DNA position 3082, one base deleted (C; older notation c.3082delC).
Protein change: p.Gln1028fs; shifts the reading frame from glutamine 1028.
Molecular consequence: frameshift variant.
Genome position (GRCh38, 1-based): chr3:122,285,036, C deleted; the last of 2 consecutive C bases (chr3:122,285,035-122,285,036); deleting either gives the same sequence. VCF-style (leftmost placement, unchanged base first): chr3-122285034-TC-T. GRCh37 (hg19) VCF-style: chr3-122003881-TC-T.
Other names: c.3112del, p.Gln1038fs (NM_001178065.2); short protein forms Q1028fs, Q1038fs.
Identifiers: ClinVar variation 1063034 (VCV001063034.7), dbSNP rs2107651889, ClinGen allele CA2499216417.